The following is an entry in ClinVar:

ClinVar aggregate classification (germline): Conflicting classifications of pathogenicity. Review status: criteria provided, conflicting classifications (1 of 4 stars). 2 submissions from 2 submitters: Uncertain significance (1); Likely benign (1). Last evaluated 2025-11-26.

Conditions:
Inborn genetic diseases. Identifiers: MedGen C0950123, MeSH D030342.

Allele frequency attached by ClinVar (database versions not stated): ExAC 0.00006.
gnomAD v4.1: 21 of 1,535,948 alleles (0.0014%); highest among the groups gnomAD compares: South Asian, 0.011%; no homozygotes.

Submissions (2):

Ambry Genetics
Classification: Uncertain significance for Inborn genetic diseases. Last evaluated: 2025-11-26. Review status: criteria provided, single submitter. Criteria: Ambry Variant Classification Scheme 2023. Collection method: clinical testing. Allele origin: germline.

CeGaT Center for Human Genetics Tuebingen
Classification: Likely benign. Last evaluated: 2022-07-01. Review status: criteria provided, single submitter. Criteria: CeGaT Center For Human Genetics Tuebingen Variant Classification Criteria Version 2. Collection method: clinical testing. Allele origin: germline. Affected: yes. Observed: 1 variant allele.
Comment: PIEZO1: BP2, BP4

NM_001142864.4(PIEZO1):c.305C>T (p.Ser102Leu)

Gene: PIEZO1 (piezo type mechanosensitive ion channel component 1 (Er blood group); minus strand). Cytogenetic location: 16q24.3.
Variant type: single nucleotide variant.
Coding change: c.305C>T on transcript NM_001142864.4 (MANE Select); coding-DNA position 305, C replaced by T.
Protein change: p.Ser102Leu; replaces serine 102 with leucine.
Molecular consequence: missense variant.
Genome position (GRCh38, 1-based): chr16:88,742,074, G>A on the plus strand (C>T on the coding strand, the complement: PIEZO1 is on the minus strand). VCF-style: chr16-88742074-G-A. GRCh37 (hg19) VCF-style: chr16-88808482-G-A.
Other names: c.305C>T (NM_001142864.2); short protein forms S102L.
Identifiers: ClinVar variation 2647008 (VCV002647008.24), dbSNP rs752012401, ClinGen allele CA8233304.